The following is an entry in ClinVar:

NM_001113378.2(FANCI):c.2960C>G (p.Thr987Arg)

Gene: FANCI (FA complementation group I; plus strand). Cytogenetic location: 15q26.1.
Variant type: single nucleotide variant.
Coding change: c.2960C>G on transcript NM_001113378.2 (MANE Select); coding-DNA position 2960, C replaced by G.
Protein change: p.Thr987Arg; replaces threonine 987 with arginine.
Molecular consequence: missense variant.
Genome position (GRCh38, 1-based): chr15:89,301,396, C>G. VCF-style: chr15-89301396-C-G. GRCh37 (hg19) VCF-style: chr15-89844627-C-G.
Other names: c.2681C>G, p.Thr894Arg (NM_001376910.1); c.2960C>G, p.Thr987Arg (NM_001376911.1); c.2780C>G, p.Thr927Arg (NM_018193.3); short protein forms T927R, T987R, T894R.
Identifiers: ClinVar variation 3017107 (VCV003017107.3), dbSNP rs138432305, ClinGen allele CA393737835.

ClinVar aggregate classification (germline): Uncertain significance (1 of 4 stars; one submission).

Conditions:
Fanconi anemia (FA). Also called: Fanconi's anemia. Identifiers: Orphanet 84, MedGen C0015625, MeSH D005199, MONDO:0019391.

Submission:

Labcorp Genetics (formerly Invitae), Labcorp
Classification: Uncertain significance for Fanconi anemia. Last evaluated: 2022-12-14. Review status: criteria provided, single submitter. Criteria: Invitae Variant Classification Sherloc (09022015). Collection method: clinical testing. Allele origin: germline.
Comment: In summary, the available evidence is currently insufficient to determine the role of this variant in disease. Therefore, it has been classified as a Variant of Uncertain Significance. Algorithms developed to predict the effect of sequence changes on RNA splicing suggest that this variant may disrupt the consensus splice site. Algorithms developed to predict the effect of missense changes on protein structure and function (SIFT, PolyPhen-2, Align-GVGD) all suggest that this variant is likely to be tolerated. This variant has not been reported in the literature in individuals affected with FANCI-related conditions. This variant is not present in population databases (gnomAD no frequency). This sequence change replaces threonine, which is neutral and polar, with arginine, which is basic and polar, at codon 987 of the FANCI protein (p.Thr987Arg).